The following is an entry in ClinVar:

ClinVar aggregate classification (germline): Conflicting classifications of pathogenicity. Review status: criteria provided, conflicting classifications (1 of 4 stars). 9 submissions from 9 submitters: Uncertain significance (1); Benign (1); Likely benign (7). Last evaluated 2026-01-28.

Conditions:
Familial thoracic aortic aneurysm and aortic dissection (TAAD). Also called: Thoracic aortic aneurysms and dissections. Identifiers: Orphanet 91387, MedGen C4707243, MONDO:0019625.
Marfan syndrome (MFS). Also called: Marfan syndrome type 1; Marfan's syndrome; Marfan syndrome, classic; FBN1-Related Marfan Syndrome; MARFAN SYNDROME, TYPE I. Identifiers: Orphanet 284963, Orphanet 558, MedGen C0024796, MONDO:0007947, OMIM 154700.

Allele frequency attached by ClinVar (database versions not stated): TOPMed 0.00002; gnomAD 0.00005; gnomAD exomes 0.00005 and 0.00006; ExAC 0.00006; ESP Exome Variant Server 0.00015; 1000 Genomes Project 30x 0.00016; 1000 Genomes Project 0.00020.
gnomAD v4.1: 101 of 1,613,888 alleles (0.0063%); highest among the groups gnomAD compares: Non-Finnish European, 0.0079%; no homozygotes.

Submissions (9):

Labcorp Genetics (formerly Invitae), Labcorp
Classification: Likely benign for Marfan syndrome; Familial thoracic aortic aneurysm and aortic dissection. Last evaluated: 2026-01-28. Review status: criteria provided, single submitter. Criteria: Invitae Variant Classification Sherloc (09022015). Collection method: clinical testing. Allele origin: germline.

All of Us Research Program, National Institutes of Health
Classification: Likely benign for Marfan syndrome. Last evaluated: 2024-02-05. Review status: criteria provided, single submitter. Criteria: ACMG Guidelines, 2015. Collection method: clinical testing. Allele origin: germline. Inheritance: Autosomal dominant inheritance. Observed: 22 variant alleles, 22 heterozygotes.
Comment: This study involves interpretation of variants in research participants for the purpose of population health screening. Participant phenotype was not available at the time of variant classification. Additional details can be found in publication PMID: 35346344, PMCID: PMC8962531

Blueprint Genetics
Classification: Likely benign. Last evaluated: 2023-02-16. Review status: criteria provided, single submitter. Criteria: ACMG Guidelines, 2015. Collection method: clinical testing. Allele origin: germline.

CeGaT Center for Human Genetics Tuebingen
Classification: Likely benign. Last evaluated: 2022-10-01. Review status: criteria provided, single submitter. Criteria: CeGaT Center For Human Genetics Tuebingen Variant Classification Criteria Version 2. Collection method: clinical testing. Allele origin: germline. Affected: yes. Observed: 1 variant allele.
Comment: FBN1: BP4, BP7

Ambry Genetics
Classification: Likely benign for Familial thoracic aortic aneurysm and aortic dissection. Last evaluated: 2020-07-15. Review status: criteria provided, single submitter. Criteria: Ambry Variant Classification Scheme 2023. Collection method: clinical testing. Allele origin: germline.

Color Diagnostics, LLC DBA Color Health
Classification: Likely benign for Familial thoracic aortic aneurysm and aortic dissection. Last evaluated: 2018-11-08. Review status: criteria provided, single submitter. Criteria: ACMG Guidelines, 2015. Collection method: clinical testing. Allele origin: germline.

CHEO Genetics Diagnostic Laboratory, Children's Hospital of Eastern Ontario
Classification: Likely benign for Familial thoracic aortic aneurysm and aortic dissection. Last evaluated: 2018-10-18. Review status: criteria provided, single submitter. Criteria: ACMG Guidelines, 2015. Collection method: clinical testing. Allele origin: germline.

Eurofins Ntd Llc (ga)
Classification: Uncertain significance. Last evaluated: 2016-11-11. Review status: criteria provided, single submitter. Criteria: EGL Classification Definitions 2015. Collection method: clinical testing. Allele origin: germline. Observed: 1 variant allele, 1 heterozygote.

GeneDx
Classification: Benign. Last evaluated: 2016-03-30. Review status: criteria provided, single submitter. Criteria: GeneDx Variant Classification (06012015). Collection method: clinical testing. Allele origin: germline. Affected: yes.
Comment: This variant is considered likely benign or benign based on one or more of the following criteria: it is a conservative change, it occurs at a poorly conserved position in the protein, it is predicted to be benign by multiple in silico algorithms, and/or has population frequency not consistent with disease.

NM_000138.5(FBN1):c.6852T>C (p.Pro2284=)

Gene: FBN1 (fibrillin 1; minus strand). Cytogenetic location: 15q21.1.
Variant type: single nucleotide variant.
Coding change: c.6852T>C on transcript NM_000138.5 (MANE Select); coding-DNA position 6852, T replaced by C.
Protein change: p.Pro2284=; no amino-acid change (proline 2284 retained).
Molecular consequence: synonymous variant.
Genome position (GRCh38, 1-based): chr15:48,430,690, A>G on the plus strand (T>C on the coding strand, the complement: FBN1 is on the minus strand). VCF-style: chr15-48430690-A-G. GRCh37 (hg19) VCF-style: chr15-48722887-A-G.
Identifiers: ClinVar variation 377862 (VCV000377862.50), dbSNP rs201226058, ClinGen allele CA057495.